The following is an entry in ClinVar:

NM_001080517.3(SETD5):c.1409del (p.Pro470fs)

Gene: SETD5 (SET domain containing 5; plus strand). Cytogenetic location: 3p25.3.
Variant type: Deletion.
Coding change: c.1409del on transcript NM_001080517.3 (MANE Select); coding-DNA position 1409, one base deleted (C; older notation c.1409delC).
Protein change: p.Pro470fs; shifts the reading frame from proline 470.
Molecular consequence: frameshift variant.
Genome position (GRCh38, 1-based): chr3:9,445,269, C deleted; the last of 2 consecutive C bases (chr3:9,445,268-9,445,269); deleting either gives the same sequence. VCF-style (leftmost placement, unchanged base first): chr3-9445267-TC-T. GRCh37 (hg19) VCF-style: chr3-9486951-TC-T.
Other names: c.1115del, p.Pro372fs (NM_001292043.2, NM_001349451.2); c.1505del, p.Pro502fs (NM_001437633.1); c.1466del, p.Pro489fs (NM_001437635.1); c.1409del, p.Pro470fs (NM_001437643.1); c.1448del, p.Pro483fs (NM_001437701.1); short protein forms P372fs, P470fs, P483fs, P489fs, P502fs.
Identifiers: ClinVar variation 4852238 (VCV004852238.1).

ClinVar aggregate classification (germline): Likely pathogenic (1 of 4 stars; one submission).

Conditions:
Intellectual disability-facial dysmorphism syndrome due to SETD5 haploinsufficiency (MRD23). Also called: Intellectual developmental disorder, autosomal dominant 23. Identifiers: Orphanet 404440, MedGen C3810406, MONDO:0014336, OMIM 615761.

Submission:

Variantyx, Inc.
Classification: Likely pathogenic for Intellectual disability-facial dysmorphism syndrome due to SETD5 haploinsufficiency. Last evaluated: 2025-04-30. Review status: criteria provided, single submitter. Criteria: Variantyx Assertion Criteria 2022. Collection method: clinical testing. Allele origin: germline. Inheritance: Autosomal dominant inheritance. Affected: yes.
Comment: This is a frameshift variant in the SETD5 gene (OMIM: 615743). Pathogenic variants in this gene have been associated with autosomal dominant intellectual developmental disorder 23. This variant introduces a premature termination codon in exon 12 out of 23 and is expected to result in loss of function, which is a known disease mechanism for SETD5 in this disorder (PMID: 24680889) (PVS1). This variant is absent from control populations (PM2). Based on the current evidence, this variant is classified as likely pathogenic for autosomal dominant intellectual developmental disorder 23.

Literature cited by the submitters: PubMed 24680889.